The following is an entry in ClinVar:

NM_004273.5(CHST3):c.1177del (p.Pro392_Leu393insTer)

Gene: CHST3 (carbohydrate sulfotransferase 3; plus strand). Cytogenetic location: 10q22.1.
Variant type: Deletion.
Coding change: c.1177del on transcript NM_004273.5 (MANE Select); coding-DNA position 1177, one base deleted (C; older notation c.1177delC).
Protein change: p.Pro392_Leu393insTer.
Molecular consequence: nonsense.
Genome position (GRCh38, 1-based): chr10:72,008,208, C deleted; the last of 5 consecutive C bases (chr10:72,008,204-72,008,208); deleting any one gives the same sequence. VCF-style (leftmost placement, unchanged base first): chr10-72008203-TC-T. GRCh37 (hg19) VCF-style: chr10-73767961-TC-T.
Identifiers: ClinVar variation 1474566 (VCV001474566.6), dbSNP rs2131776450, ClinGen allele CA645561185.

ClinVar aggregate classification (germline): Pathogenic (1 of 4 stars; one submission).

Conditions:
Spondyloepiphyseal dysplasia with congenital joint dislocations (SEDCJD). Also called: Chondrodysplasia with Congenital Joint Dislocations, CHST3-Related. Identifiers: Orphanet 263463, MedGen C1837657, MONDO:0007738, OMIM 143095.

Submission:

Labcorp Genetics (formerly Invitae), Labcorp
Classification: Pathogenic for Spondyloepiphyseal dysplasia with congenital joint dislocations. Last evaluated: 2022-07-01. Review status: criteria provided, single submitter. Criteria: Invitae Variant Classification Sherloc (09022015). Collection method: clinical testing. Allele origin: germline.
Comment: For these reasons, this variant has been classified as Pathogenic. This variant disrupts a region of the CHST3 protein in which other variant(s) (p.Ser431Lysfs*81) have been determined to be pathogenic (PMID: 29453417; Invitae). This suggests that this is a clinically significant region of the protein, and that variants that disrupt it are likely to be disease-causing. ClinVar contains an entry for this variant (Variation ID: 1474566). This premature translational stop signal has been observed in individual(s) with clinical features of spondlyoepiphyseal dysplasia (Invitae). This variant is not present in population databases (gnomAD no frequency). This sequence change creates a premature translational stop signal (p.Leu393*) in the CHST3 gene. While this is not anticipated to result in nonsense mediated decay, it is expected to disrupt the last 87 amino acid(s) of the CHST3 protein.

Literature cited by the submitters: PubMed 29453417.